The following is an entry in ClinVar:

NM_001040108.2(MLH3):c.1799G>A (p.Arg600Gln)

Gene: MLH3 (mutL homolog 3; minus strand). Cytogenetic location: 14q24.3.
Variant type: single nucleotide variant.
Coding change: c.1799G>A on transcript NM_001040108.2 (MANE Select); coding-DNA position 1799, G replaced by A.
Protein change: p.Arg600Gln; replaces arginine 600 with glutamine.
Molecular consequence: missense variant.
Genome position (GRCh38, 1-based): chr14:75,047,857, C>T on the plus strand (G>A on the coding strand, the complement: MLH3 is on the minus strand). VCF-style: chr14-75047857-C-T. GRCh37 (hg19) VCF-style: chr14-75514560-C-T.
Other names: c.1799G>A, p.Arg600Gln (NM_014381.3); short protein forms R600Q.
Identifiers: ClinVar variation 416451 (VCV000416451.29), dbSNP rs28756984, ClinGen allele CA7275815.

ClinVar aggregate classification (germline): Conflicting classifications of pathogenicity. Review status: criteria provided, conflicting classifications (1 of 4 stars). 8 submissions from 8 submitters: Uncertain significance (1); Benign (3); Likely benign (4). Last evaluated 2026-01-26.

Conditions:
Endometrial carcinoma. Also called: Endometrial carcinoma, somatic. Identifiers: MedGen C0476089, MONDO:0002447, OMIM 608089, HP:0012114.
Colorectal cancer, hereditary nonpolyposis, type 7. Identifiers: Orphanet 144, MedGen C1858380, MONDO:0013725, OMIM 614385.
Colorectal cancer. Also called: Malignant Colorectal Neoplasm; Colorectal cancer, somatic. Identifiers: MedGen C0346629, MONDO:0005575, OMIM 114500.

Allele frequency attached by ClinVar (database versions not stated): 1000 Genomes Project 30x 0.00141; gnomAD 0.00153 and 0.00168; ESP Exome Variant Server 0.00154; 1000 Genomes Project 0.00160; TOPMed 0.00166; gnomAD exomes 0.00040; ExAC 0.00048.
gnomAD v4.1: 457 of 1,612,758 alleles (0.028%); highest among the groups gnomAD compares: African/African-American, 0.53%; 1 homozygote.

Submissions (8):

Dasa
Classification: Likely benign. Last evaluated: 2026-01-26. Review status: criteria provided, single submitter. Criteria: DASA Assertion Criteria. Collection method: clinical testing. Allele origin: germline.
Comment: NM_001040108.2(MLH3):c.1799G>A (p.Arg600Gln) is a missense variant that results in the substitution of arginine with glutamine. Multiple computational predictions suggest no deleterious effect on the gene or gene product. Based on the available data, this variant is classified as likely benign.

Labcorp Genetics (formerly Invitae), Labcorp
Classification: Benign for Colorectal cancer, hereditary nonpolyposis, type 7. Last evaluated: 2026-01-26. Review status: criteria provided, single submitter. Criteria: Invitae Variant Classification Sherloc (09022015). Collection method: clinical testing. Allele origin: germline.

Center for Genomic Medicine, Rigshospitalet, Copenhagen University Hospital
Classification: Uncertain significance. Last evaluated: 2025-03-04. Review status: criteria provided, single submitter. Criteria: ACMG Guidelines, 2015. Collection method: clinical testing. Allele origin: germline.

KCCC/NGS Laboratory, Kuwait Cancer Control Center
Classification: Benign for Endometrial carcinoma. Last evaluated: 2025-02-01. Review status: criteria provided, single submitter. Criteria: ACMG Guidelines, 2015. Collection method: clinical testing. Allele origin: germline. Affected: no.

Department of Pathology and Laboratory Medicine, Sinai Health System
Classification: Likely benign for Colorectal cancer; Endometrial carcinoma; Colorectal cancer, hereditary nonpolyposis, type 7. Last evaluated: 2024-11-22. Review status: criteria provided, single submitter. Criteria: ACMG Guidelines, 2015. Collection method: clinical testing. Allele origin: germline.

ARUP Laboratories, Molecular Genetics and Genomics, ARUP Laboratories
Classification: Likely benign. Last evaluated: 2024-02-15. Review status: criteria provided, single submitter. Criteria: ARUP Molecular Germline Variant Investigation Process 2024. Collection method: clinical testing. Allele origin: germline.

Ambry Genetics
Classification: Likely benign. Last evaluated: 2020-06-25. Review status: criteria provided, single submitter. Criteria: Ambry Variant Classification Scheme 2023. Collection method: clinical testing. Allele origin: germline.

Illumina Laboratory Services, Illumina
Classification: Benign for Colorectal cancer, hereditary nonpolyposis, type 7. Last evaluated: 2017-04-28. Review status: criteria provided, single submitter. Criteria: ICSL Variant Classification Criteria 13 December 2019. Collection method: clinical testing. Allele origin: germline.
Comment: This variant was observed as part of a predisposition screen in an ostensibly healthy population. A literature search was performed for the gene, cDNA change, and amino acid change (where applicable). Publications were found based on this search. The evidence from the literature, in combination with allele frequency data from public databases where available, was sufficient to rule this variant out of causing disease. Therefore, this variant is classified as benign.

Literature cited by the submitters: PubMed 21153778 (cited by Illumina Laboratory Services, Illumina).